The following is an entry in ClinVar:

ClinVar aggregate classification (germline): Uncertain significance (1 of 4 stars; one submission).

Submission:

GeneDx
Classification: Uncertain significance. Last evaluated: 2014-02-19. Review status: criteria provided, single submitter. Criteria: GeneDx Variant Classification (06012015). Collection method: clinical testing. Allele origin: germline. Affected: yes.
Comment: c.736_738delTCT: p.Ser246del (S246del) in exon 10 of the TCF4 gene (NM_001083962.1). The normal sequence with the deleted bases in brackets is CTCT{TCT}CATA. The c.736_738delTCT variant has not been published as a mutation, nor has it been reported as a benign polymorphism to our knowledge. It was not observed in approximately 6,500 individuals of European and African American ancestry in the NHLBI Exome Sequencing Project, indicating it is not a common benign variant in these populations. It results in an in-frame deletion of a single Serine residue at a conserved position in the TCF4 protein. To our knowledge, in-frame deletions have not been previously reported in association with TCF4-related disorders. Therefore, based on the currently available information, it is unclear whether c.736_738delTCT is a disease-causing mutation or a rare benign variant. The variant is found in EPILEPSY panel(s).

NM_001083962.2(TCF4):c.733TCT[1] (p.Ser246del)

Gene: TCF4 (transcription factor 4; minus strand). Cytogenetic location: 18q21.2.
Variant type: Microsatellite.
Coding change: c.733TCT[1] on transcript NM_001083962.2 (MANE Select); one copy of the 3-base unit TCT starting at c.733; the reference has two copies in a row; one copy, 3 bases deleted.
Protein change: p.Ser246del; deletes serine 246.
Molecular consequence: inframe deletion.
Genome position (GRCh38, 1-based): chr18:55,275,670-55,275,672, AGA deleted on the plus strand (TCT on the coding strand, the reverse complement: TCF4 is on the minus strand); deleting any 3 consecutive bases within chr18:55,275,670-55,275,675 gives the same sequence; the position shown is the placement nearest the transcript's 3' end. VCF-style (leftmost placement, unchanged base first): chr18-55275669-GAGA-G. GRCh37 (hg19) VCF-style: chr18-52942900-GAGA-G.
Other names: c.1039TCT[1], p.Ser348del (NM_001243226.3); c.661TCT[1], p.Ser222del (NM_001243227.2, NM_001306207.1, NM_001348217.1 and 9 more transcripts); c.751TCT[1], p.Ser252del (NM_001243228.2); c.727TCT[1], p.Ser244del (NM_001243230.2); c.607TCT[1], p.Ser204del (NM_001243231.2, NM_001348211.2); c.520TCT[1], p.Ser175del (NM_001243232.1, NM_001306208.1); c.343TCT[1], p.Ser116del (NM_001243233.2, NM_001330605.3, NM_001348212.2 and 1 more transcripts); c.253TCT[1], p.Ser86del (NM_001243234.2, NM_001243235.2, NM_001243236.2 and 2 more transcripts); and 4 more; short protein forms S246del, S116del, S204del, S221del, S30del, S222del, S245del, S252del.
Identifiers: ClinVar variation 207542 (VCV000207542.1), dbSNP rs796053426, ClinGen allele CA319117.